The following is an entry in ClinVar:

ClinVar aggregate classification (germline): Pathogenic (1 of 4 stars; one submission).

Conditions:
Hereditary cancer-predisposing syndrome. Also called: Neoplastic Syndromes, Hereditary; Tumor predisposition; Hereditary Cancer Syndrome; Hereditary neoplastic syndrome. Identifiers: Orphanet 140162, MedGen C0027672, MeSH D009386, MONDO:0015356.

Submission:

Ambry Genetics
Classification: Pathogenic for Hereditary cancer-predisposing syndrome. Last evaluated: 2020-09-18. Review status: criteria provided, single submitter. Criteria: Ambry Variant Classification Scheme 2023. Collection method: clinical testing. Allele origin: germline.
Comment: The p.E657* pathogenic mutation (also known as c.1969G>T), located in coding exon 5 of the PALB2 gene, results from a G to T substitution at nucleotide position 1969. This changes the amino acid from a glutamic acid to a stop codon within coding exon 5. This alteration is expected to result in loss of function by premature protein truncation or nonsense-mediated mRNA decay. As such, this alteration is interpreted as a disease-causing mutation.

NM_024675.4(PALB2):c.1969G>T (p.Glu657Ter)

Gene: PALB2 (partner and localizer of BRCA2; minus strand). Cytogenetic location: 16p12.2.
Variant type: single nucleotide variant.
Coding change: c.1969G>T on transcript NM_024675.4 (MANE Select); coding-DNA position 1969, G replaced by T.
Protein change: p.Glu657Ter; replaces glutamic acid 657 with a stop codon.
Molecular consequence: nonsense.
Genome position (GRCh38, 1-based): chr16:23,630,185, C>A on the plus strand (G>T on the coding strand, the complement: PALB2 is on the minus strand). VCF-style: chr16-23630185-C-A. GRCh37 (hg19) VCF-style: chr16-23641506-C-A.
Other names: c.1969G>T, p.Glu657Ter (NM_001407298.1, NM_001407299.1, NM_001407297.1 and 3 more transcripts); c.1909G>T, p.Glu637Ter (NM_001407296.1); c.1084G>T, p.Glu362Ter (NM_001407304.1, NM_001407305.1, NM_001407306.1 and 5 more transcripts); c.181G>T, p.Glu61Ter (NM_001407312.1, NM_001407313.1); short protein forms E657*, E362*, E61*, E637*.
Identifiers: ClinVar variation 1783571 (VCV001783571.2), dbSNP rs2142384677, ClinGen allele CA395127323.